The following is an entry in ClinVar:

ClinVar aggregate classification (germline): Conflicting classifications of pathogenicity. Review status: criteria provided, conflicting classifications (1 of 4 stars). 12 submissions from 12 submitters: Uncertain significance (1); Benign (1); Likely benign (8). 2 of the submissions do not count toward it. Last evaluated 2026-04-01.

Conditions:
RET-related disorder. Also called: RET-related condition; RET-related disease; RET-related disorders.
Hereditary cancer-predisposing syndrome. Also called: Tumor predisposition; Hereditary neoplastic syndrome; Hereditary Cancer Syndrome; Neoplastic Syndromes, Hereditary. Identifiers: Orphanet 140162, MedGen C0027672, MeSH D009386, MONDO:0015356.
Multiple endocrine neoplasia, type 2 (MEN2). Identifiers: Orphanet 653, MedGen C4048306, MONDO:0019003. Disease mechanism: gain of function.

Allele frequency attached by ClinVar (database versions not stated): gnomAD exomes 0.00007 and 0.00022; ExAC 0.00030; 1000 Genomes Project 0.00060; ESP Exome Variant Server 0.00077; 1000 Genomes Project 30x 0.00094; gnomAD 0.00094 and 0.00101; TOPMed 0.00099.
gnomAD v4.1: 249 of 1,613,872 alleles (0.015%); highest among the groups gnomAD compares: African/African-American, 0.29%; no homozygotes.

Submissions (12):

CeGaT Center for Human Genetics Tuebingen
Classification: Likely benign. Last evaluated: 2026-04-01. Review status: criteria provided, single submitter. Criteria: CeGaT Center For Human Genetics Tuebingen Variant Classification Criteria Version 2. Collection method: clinical testing. Allele origin: germline. Affected: yes. Observed: 1 variant allele.
Comment: RET: BP4, BS1

Labcorp Genetics (formerly Invitae), Labcorp
Classification: Likely benign for Multiple endocrine neoplasia, type 2. Last evaluated: 2026-01-27. Review status: criteria provided, single submitter. Criteria: Invitae Variant Classification Sherloc (09022015). Collection method: clinical testing. Allele origin: germline.

ARUP Laboratories, Molecular Genetics and Genomics, ARUP Laboratories
Classification: Likely benign. Last evaluated: 2024-03-25. Review status: criteria provided, single submitter. Criteria: ARUP Molecular Germline Variant Investigation Process 2024. Collection method: clinical testing. Allele origin: germline.

Quest Diagnostics Nichols Institute San Juan Capistrano
Classification: Benign. Last evaluated: 2023-11-28. Review status: criteria provided, single submitter. Criteria: Quest Diagnostics criteria. Collection method: clinical testing. Allele origin: unknown.

Blueprint Genetics
Classification: Likely benign. Last evaluated: 2023-08-10. Review status: criteria provided, single submitter. Criteria: ACMG Guidelines, 2015. Collection method: clinical testing. Allele origin: germline.

Color Diagnostics, LLC DBA Color Health
Classification: Likely benign for Multiple endocrine neoplasia, type 2. Last evaluated: 2023-03-23. Review status: criteria provided, single submitter. Criteria: ACMG Guidelines, 2015. Collection method: clinical testing. Allele origin: germline.

Sema4
Classification: Likely benign for Hereditary cancer-predisposing syndrome. Last evaluated: 2022-03-01. Review status: criteria provided, single submitter. Criteria: Sema4 Curation Guidelines. Collection method: curation. Allele origin: germline.

Women's Health and Genetics/Laboratory Corporation of America, LabCorp
Classification: Likely benign. Last evaluated: 2019-02-08. Review status: criteria provided, single submitter. Criteria: LabCorp Variant Classification Summary - May 2015. Collection method: clinical testing. Allele origin: germline.
Comment: Variant summary: The variant, RET c.1157C>T (p.Ala386Val) results in a non-conservative amino acid change in the encoded protein sequence. Four of five in-silico tools predict a benign effect of the variant on protein function. The variant allele was found at a frequency of 0.00026 in 277152 control chromosomes, predominantly at a frequency of 0.0025 within the African subpopulation in the gnomAD database. The observed variant frequency within African control individuals in the gnomAD database is approximately 68 fold of the estimated maximal expected allele frequency for a pathogenic variant in RET causing Multiple Endocrine Neoplasia Type 2 phenotype (3.7e-05), strongly suggesting that the variant is a benign polymorphism found primarily in populations of African origin. The variant, c.1157C>T has been reported in the literature in individuals affected with Hirschsprung's disease (Carter_2012). However, this report does not provide unequivocal conclusions about association of the variant with Multiple Endocrine Neoplasia Type 2. To our knowledge, no experimental evidence demonstrating an impact on protein function has been reported. Three clinical diagnostic laboratories have submitted clinical-significance assessments for this variant to ClinVar after 2014 without evidence for independent evaluation (2X Likely Benign and 1X Uncertain Significance). Based on the evidence outlined above, the variant was classified as likely benign.

Ambry Genetics
Classification: Likely benign for Hereditary cancer-predisposing syndrome. Last evaluated: 2019-02-07. Review status: criteria provided, single submitter. Criteria: Ambry Variant Classification Scheme 2023. Collection method: clinical testing. Allele origin: germline.

Eurofins Ntd Llc (ga)
Classification: Uncertain significance. Last evaluated: 2016-05-31. Review status: criteria provided, single submitter. Criteria: EGL Classification Definitions 2015. Collection method: clinical testing. Allele origin: germline. Observed: 2 variant alleles, 2 heterozygotes.

PreventionGenetics, part of Exact Sciences
Classification: Likely benign for RET-related condition. Last evaluated: 2019-07-13. Review status: no assertion criteria provided. Collection method: clinical testing. Allele origin: germline. Not counted in ClinVar's aggregate classification.
Comment: This variant is classified as likely benign based on ACMG/AMP sequence variant interpretation guidelines (Richards et al. 2015 PMID: 25741868, with internal and published modifications).

ITMI
No classification provided. Condition: AllHighlyPenetrant. Last evaluated: 2013-09-19. Review status: no classification provided. Collection method: reference population. Allele origin: germline. Not counted in ClinVar's aggregate classification.
Comment: Please see associated publication for description of ethnicities

Literature cited by the submitters: PubMed 22648184 (cited by 3 submitters); PubMed 24728327 (cited by 4 submitters).

NM_020975.6(RET):c.1157C>T (p.Ala386Val)

Gene: RET (ret proto-oncogene; plus strand). Cytogenetic location: 10q11.21.
Variant type: single nucleotide variant.
Coding change: c.1157C>T on transcript NM_020975.6 (MANE Select); coding-DNA position 1157, C replaced by T.
Protein change: p.Ala386Val; replaces alanine 386 with valine.
Molecular consequence: missense variant.
Genome position (GRCh38, 1-based): chr10:43,109,124, C>T. VCF-style: chr10-43109124-C-T. GRCh37 (hg19) VCF-style: chr10-43604572-C-T.
Other names: c.1157C>T, p.Ala386Val (NM_000323.2, NM_020629.2, NM_020630.7 and 6 more transcripts); c.395C>T, p.Ala132Val (NM_001355216.2); c.869C>T, p.Ala290Val (NM_001406767.1, NM_001406770.1, NM_001406766.1); c.1028C>T, p.Ala343Val (NM_001406768.1, NM_001406761.1, NM_001406762.1 and 1 more transcripts); c.719C>T, p.Ala240Val (NM_001406771.1, NM_001406773.1); c.431C>T, p.Ala144Val (NM_001406775.1, NM_001406776.1, NM_001406777.1 and 1 more transcripts); c.167C>T, p.Ala56Val (NM_001406784.1); short protein forms A386V, A132V, A290V, A343V, A56V, A144V, A240V.
Identifiers: ClinVar variation 135186 (VCV000135186.31), dbSNP rs115272158, ClinGen allele CA007451.